The following is an entry in ClinVar:

ClinVar aggregate classification (germline): Pathogenic/Likely pathogenic. Review status: criteria provided, multiple submitters, no conflicts (2 of 4 stars). 8 submissions from 6 submitters: Pathogenic (5); Likely pathogenic (2). 1 of the submissions does not count toward it. Last evaluated 2025-08-06.

Conditions:
Senior-Loken syndrome 6 (SLSN6). Identifiers: Orphanet 3156, MedGen C1857779, MONDO:0012433, OMIM 610189.
Leber congenital amaurosis 10 (LCA10). Identifiers: Orphanet 65, MedGen C1857821, MONDO:0012723, OMIM 611755.
Meckel syndrome, type 4 (MKS4). Also called: MECKEL-GRUBER SYNDROME, TYPE 4. Identifiers: Orphanet 564, MedGen C1970161, MONDO:0012626, OMIM 611134.
Bardet-Biedl syndrome 14 (BBS14). Identifiers: Orphanet 110, MedGen C2673874, MONDO:0014442, OMIM 615991.
Joubert syndrome 5 (JBTS5). Identifiers: Orphanet 2318, MedGen C1857780, MONDO:0012432, OMIM 610188.
Molar tooth sign on MRI. Identifiers: MedGen C1865060, HP:0002419.
Nystagmus. Identifiers: MedGen C0028738, MONDO:0004843, HP:0000639.
Central hypotonia. Identifiers: MedGen C1842364, HP:0011398.
Blindness. Also called: Blindness (disorder). Identifiers: MedGen C0456909, MONDO:0001941, HP:0000618.
Nephronophthisis. Also called: Juvenile Nephronophthisis. Identifiers: Orphanet 655, MedGen C0687120, MONDO:0019005, HP:0000090.
Meckel-Gruber syndrome. Also called: DYSENCEPHALIA SPLANCHNOCYSTICA; GRUBER SYNDROME; Dysencephalia splachnocystica. Identifiers: Orphanet 564, MedGen C0265215, MONDO:0018921.
Joubert syndrome. Also called: Familial aplasia of the vermis; JOUBERT-BOLTSHAUSER SYNDROME. Identifiers: Orphanet 475, MedGen C5979921, MONDO:0018772.
Leber congenital amaurosis (LCA). Also called: Leber's amaurosis. Identifiers: Orphanet 65, MedGen C0339527, MeSH D057130, MONDO:0018998.
CEP290-related ciliopathy. Also called: CEP290 ciliopathy. Identifiers: MedGen CN305601, MONDO:0100451.

Allele frequency attached by ClinVar (database versions not stated): gnomAD exomes below 0.00001.
gnomAD v4.1: 1 of 1,611,072 alleles (0.000062%); highest among the groups gnomAD compares: Non-Finnish European, 0.000085%; no homozygotes.

Submissions (8):

Natera, Inc.
Classification: Pathogenic for Leber congenital amaurosis. Last evaluated: 2025-08-06. Review status: criteria provided, single submitter. Criteria: Natera Variant Classification Schema (03/2026). Collection method: clinical testing. Allele origin: germline.
Comment: The c.2941C>T variant in CEP290 is a nonsense variant predicted to introduce a stop codon at amino acid 981. This variant is expected to result in nonsense mediated decay, truncation, or a dysfunctional protein product. This variant is rare in the general population with a frequency below the threshold expected for the associated phenotype(s). This variant has been observed in one or more individuals affected with the associated recessive disease, as either homozygous or compound heterozygous with a second variant (PMID: 39213781). Given the available evidence, this variant is classified as Pathogenic.

Myriad Genetics, Inc.
Classification: Pathogenic for CEP290-related ciliopathy. Last evaluated: 2024-08-24. Review status: criteria provided, single submitter. Criteria: Myriad Autosomal Dominant, Autosomal Recessive and X-Linked Classification Criteria (2023). Collection method: clinical testing. Allele origin: unknown.
Comment: NM_025114.3(CEP290):c.2941C>T(Q981*) is expected to be pathogenic in the context of CEP290-related disorders. This variant is predicted to lead to an abnormal or absent protein product due to the creation of a premature termination codon in CEP290, a gene where loss-of-function variants are known to be pathogenic. Please note: this variant was assessed in the context of healthy population screening.

Fulgent Genetics
Classification: Likely pathogenic for Joubert syndrome 5; Senior-Loken syndrome 6; Meckel syndrome, type 4; Leber congenital amaurosis 10; Bardet-Biedl syndrome 14. Last evaluated: 2024-06-01. Review status: criteria provided, single submitter. Criteria: ACMG Guidelines, 2015. Collection method: clinical testing. Allele origin: germline.

Baylor Genetics
Classification: Likely pathogenic for Bardet-Biedl syndrome 14. Last evaluated: 2023-11-30. Review status: criteria provided, single submitter. Criteria: ACMG Guidelines, 2015. Collection method: clinical testing. Allele origin: unknown.

Labcorp Genetics (formerly Invitae), Labcorp
Classification: Pathogenic for Joubert syndrome; Meckel-Gruber syndrome; Nephronophthisis. Last evaluated: 2023-08-10. Review status: criteria provided, single submitter. Criteria: Invitae Variant Classification Sherloc (09022015). Collection method: clinical testing. Allele origin: germline.
Comment: This variant has not been reported in the literature in individuals affected with CEP290-related conditions. This variant is not present in population databases (gnomAD no frequency). ClinVar contains an entry for this variant (Variation ID: 373994). This sequence change creates a premature translational stop signal (p.Gln981*) in the CEP290 gene. It is expected to result in an absent or disrupted protein product. Loss-of-function variants in CEP290 are known to be pathogenic (PMID: 16909394, 17345604, 20690115). For these reasons, this variant has been classified as Pathogenic.

Centre for Mendelian Genomics, University Medical Centre Ljubljana
Classification: Pathogenic for Joubert syndrome 5. Last evaluated: 2016-01-01. Review status: criteria provided, single submitter. Criteria: ACMG Guidelines, 2015. Collection method: clinical testing. Allele origin: unknown. Affected: yes.
Comment: This variant was classified as: Pathogenic.

Centre for Mendelian Genomics, University Medical Centre Ljubljana
Classification: Pathogenic for Blindness. Last evaluated: 2015-02-02. Review status: criteria provided, single submitter. Criteria: ACMG Guidelines, 2015. Collection method: clinical testing. Allele origin: unknown. Affected: yes.

Centre for Mendelian Genomics, University Medical Centre Ljubljana
Classification: Pathogenic for Central hypotonia; Molar tooth sign on MRI; Nystagmus. Last evaluated: 2016-03-07. Review status: no assertion criteria provided. Collection method: clinical testing. Allele origin: unknown. Affected: yes. Not counted in ClinVar's aggregate classification.

Literature cited by the submitters: PubMed 39213781 (cited by Natera, Inc.); PubMed 16909394 (cited by Labcorp Genetics (formerly Invitae), Labcorp); PubMed 17345604 (cited by Labcorp Genetics (formerly Invitae), Labcorp); PubMed 20690115 (cited by Labcorp Genetics (formerly Invitae), Labcorp).

NM_025114.4(CEP290):c.2941C>T (p.Gln981Ter)

Gene: CEP290 (centrosomal protein 290; minus strand). Cytogenetic location: 12q21.32.
Variant type: single nucleotide variant.
Coding change: c.2941C>T on transcript NM_025114.4 (MANE Select); coding-DNA position 2941, C replaced by T.
Protein change: p.Gln981Ter; replaces glutamine 981 with a stop codon.
Molecular consequence: nonsense.
Genome position (GRCh38, 1-based): chr12:88,102,888, G>A on the plus strand (C>T on the coding strand, the complement: CEP290 is on the minus strand). VCF-style: chr12-88102888-G-A. GRCh37 (hg19) VCF-style: chr12-88496665-G-A.
Other names: short protein forms Q981*.
Identifiers: ClinVar variation 373994 (VCV000373994.12), dbSNP rs1057518822, ClinGen allele CA16043473.